The following is an entry in ClinVar:

ClinVar aggregate classification (germline): Uncertain significance (1 of 4 stars; one submission).

Conditions:
Multiple acyl-CoA dehydrogenase deficiency (MADD). Also called: Glutaric aciduria, type 2; Glutaric Acidemia type 2; Glutaric acidemia type II; GA 2; ETHYLMALONIC-ADIPICACIDURIA; GA II. Identifiers: Orphanet 26791, MedGen C0268596, MONDO:0009282, OMIM 231680.

Submission:

Neuberg Centre For Genomic Medicine, NCGM
Classification: Uncertain significance for Multiple acyl-CoA dehydrogenase deficiency. Review status: criteria provided, single submitter. Criteria: ACMG Guidelines, 2015. Collection method: clinical testing. Allele origin: germline. Inheritance: Autosomal recessive inheritance. Affected: yes.
Comment: The c.191G>C (p.Arg64Thr) missense variant in ETFDH gene has not been reported previously as a pathogenic variant nor as a benign variant, to our knowledge. The p.Arg64Thr variant is novel (not in any individuals) in gnomAD Exomes and 1000 Genomes. The amino acid Arg at position 64 is changed to a Thr changing protein sequence and it might alter its composition and physico-chemical properties. The amino acid change p.Arg64Thr in ETFDH is predicted as conserved by GERP++ and PhyloP across 100 vertebrates. For these reasons, this variant has been classified as Variant of Uncertain Significance (VUS).

NM_004453.4(ETFDH):c.191G>C (p.Arg64Thr)

Gene: ETFDH (electron transfer flavoprotein dehydrogenase; plus strand). Cytogenetic location: 4q32.1.
Variant type: single nucleotide variant.
Coding change: c.191G>C on transcript NM_004453.4 (MANE Select); coding-DNA position 191, G replaced by C.
Protein change: p.Arg64Thr; replaces arginine 64 with threonine.
Molecular consequence: missense variant.
Genome position (GRCh38, 1-based): chr4:158,682,210, G>C. VCF-style: chr4-158682210-G-C. GRCh37 (hg19) VCF-style: chr4-159603362-G-C.
Other names: c.50G>C, p.Arg17Thr (NM_001281737.2); c.8G>C, p.Arg3Thr (NM_001281738.1); short protein forms R64T, R17T, R3T.
Identifiers: ClinVar variation 2584902 (VCV002584902.1), dbSNP rs2479080051, ClinGen allele CA358573799.
Genomic context (GRCh38, chr4:158,682,210, plus strand): 5'-GTGATTATTGGGTTATATTAATCCCAGAATTTTTATTTCTCCCAGGAGTGAACATGGAAA[G>C]GTTTGCAGAAGAAGCAGATGTTGTAATAGTTGGTGCAGGCCCTGCAGGGCTCTCTGCAGC-3'
Protein context (NP_004444.2, residues 54-74): DKRWEGVNME[Arg64Thr]FAEEADVVIV